The following is an entry in ClinVar:

NM_178138.6(LHX3):c.214C>T (p.Arg72Ter)

Gene: LHX3 (LIM homeobox 3; minus strand). Cytogenetic location: 9q34.3.
Variant type: single nucleotide variant.
Coding change: c.214C>T on transcript NM_178138.6 (MANE Select); coding-DNA position 214, C replaced by T.
Protein change: p.Arg72Ter; replaces arginine 72 with a stop codon.
Molecular consequence: nonsense.
Genome position (GRCh38, 1-based): chr9:136,200,619, G>A on the plus strand (C>T on the coding strand, the complement: LHX3 is on the minus strand). VCF-style: chr9-136200619-G-A. GRCh37 (hg19) VCF-style: chr9-139092465-G-A.
Other names: c.229C>T (NM_014564.3, NM_014564.4); c.181C>T, p.Arg61Ter (NM_001363746.1); c.229C>T, p.Arg77Ter (NM_014564.5); short protein forms R61*, R72*, R77*.
Identifiers: ClinVar variation 1073213 (VCV001073213.12), dbSNP rs774533927, ClinGen allele CA201533513.

ClinVar aggregate classification (germline): Pathogenic. Review status: criteria provided, multiple submitters, no conflicts (2 of 4 stars). 3 submissions from 3 submitters: Pathogenic (3). Last evaluated 2025-01-15.

Conditions:
Non-acquired combined pituitary hormone deficiency with spine abnormalities (CPHD3). Also called: Combined pituitary hormone deficiency type 3; Winkelman Bethge Pfeiffer syndrome; WBP syndrome. Identifiers: Orphanet 231720, MedGen C3489787, MONDO:0009091, OMIM 221750.

Allele frequency attached by ClinVar (database versions not stated): TOPMed 0.00001.

Submissions (3):

Natera, Inc.
Classification: Pathogenic for Combined pituitary hormone deficiency type 3. Last evaluated: 2025-01-15. Review status: criteria provided, single submitter. Criteria: Natera Variant Classification Schema (03/2026). Collection method: clinical testing. Allele origin: germline.
Comment: The c.229C>T variant in LHX3 is a nonsense variant predicted to introduce a stop codon at amino acid 77. This variant is expected to result in nonsense mediated decay, truncation, or a dysfunctional protein product. This variant is rare in the general population with a frequency below the threshold expected for the associated phenotype(s). This variant has been observed in one or more individuals affected with the associated recessive disease, as either homozygous or compound heterozygous with a second variant (PMID: 21249393). Given the available evidence, this variant is classified as Pathogenic.

GeneDx
Classification: Pathogenic. Last evaluated: 2023-12-16. Review status: criteria provided, single submitter. Criteria: GeneDx Variant Classification Process June 2021. Collection method: clinical testing. Allele origin: germline. Affected: yes.
Comment: Not observed at significant frequency in large population cohorts (gnomAD); Nonsense variant predicted to result in protein truncation or nonsense mediated decay in a gene for which loss of function is a known mechanism of disease; This variant is associated with the following publications: (PMID: 25525159, 21249393)

Labcorp Genetics (formerly Invitae), Labcorp
Classification: Pathogenic. Last evaluated: 2023-09-27. Review status: criteria provided, single submitter. Criteria: Invitae Variant Classification Sherloc (09022015). Collection method: clinical testing. Allele origin: germline.
Comment: For these reasons, this variant has been classified as Pathogenic. ClinVar contains an entry for this variant (Variation ID: 1073213). This premature translational stop signal has been observed in individual(s) with combined pituitary hormone deficiency (PMID: 21249393). This variant is not present in population databases (gnomAD no frequency). This sequence change creates a premature translational stop signal (p.Arg77*) in the LHX3 gene. It is expected to result in an absent or disrupted protein product. Loss-of-function variants in LHX3 are known to be pathogenic (PMID: 16394081, 18407919).

Literature cited by the submitters: PubMed 21249393 (cited by Natera, Inc. and Labcorp Genetics (formerly Invitae), Labcorp); PubMed 16394081 (cited by Labcorp Genetics (formerly Invitae), Labcorp); PubMed 18407919 (cited by Labcorp Genetics (formerly Invitae), Labcorp).